The following is an entry in ClinVar:

ClinVar aggregate classification (germline): Uncertain significance. Review status: reviewed by expert panel (3 of 4 stars). 8 submissions from 8 submitters: Uncertain significance (1). 7 of the submissions do not count toward it. Last evaluated 2025-11-26.

Conditions:
Monogenic diabetes. Identifiers: Orphanet 183625, MedGen C3888631, MONDO:0015967.
Type 1 diabetes mellitus 20 (T1D20). Also called: Diabetes mellitus, insulin-dependent, 20. Identifiers: MedGen C2675866, MONDO:0012919, OMIM 612520.
Type 2 diabetes mellitus. Also called: Type II diabetes mellitus. Identifiers: MedGen C0011860, MeSH D003924, MONDO:0005148, OMIM 125853, HP:0005978.
Nonpapillary renal cell carcinoma. Identifiers: Orphanet 422526, MedGen CN074294, MONDO:0007763, OMIM 144700.
Diabetes mellitus type 1 (T1D). Also called: Type I diabetes mellitus; Diabetes Mellitus, Juvenile-Onset. Identifiers: MedGen C0011854, MONDO:0005147, OMIM 222100, HP:0100651.
Maturity-onset diabetes of the young type 3. Also called: MODY type 3; MODY, type III. Identifiers: Orphanet 552, MedGen C1838100, MeSH C563933, MONDO:0010894, OMIM 600496. Disease mechanism: loss of function.
Hepatic adenomas, familial. Also called: HEPATIC ADENOMA, SOMATIC; LIVER CELL ADENOMAS, FAMILIAL. Identifiers: MedGen C1840646, MONDO:0007718, OMIM 142330.
Maturity-onset diabetes of the young (MODY). Also called: Maturity onset diabetes mellitus in young. Identifiers: Orphanet 552, MedGen C0342276, MONDO:0018911, HP:0004904.

Allele frequency attached by ClinVar (database versions not stated): gnomAD 0.00002; gnomAD exomes 0.00002; ExAC 0.00003; TOPMed 0.00003.
gnomAD v4.1: 26 of 1,612,976 alleles (0.0016%); highest among the groups gnomAD compares: African/African-American, 0.008%; no homozygotes.

Submissions (8):

ClinGen Monogenic Diabetes Variant Curation Expert Panel
Classification: Uncertain significance for Monogenic diabetes. Last evaluated: 2025-11-26. Review status: reviewed by expert panel. Criteria: ClinGen Diabetes ACMG Specifications HNF1A V3.1.0. Collection method: curation. Allele origin: germline. Inheritance: Autosomal dominant inheritance.
Comment: The c.29C>T variant in the HNF1 homeobox A gene, HNF1A, causes an amino acid change of threonine to methionine at codon 10 (p.(Thr10Met)) of NM_000545.8. This variant has a Grpmax filtering allele frequency of 0.00003472 in gnomAD v4.1.0, which is above the ClinGen MDEP threshold for BS1 (≥0.000033). This variant is located within the dimerization domain of HNF1A, which is defined as critical for the protein’s function by the ClinGen MDEP (PM1_Supporting). While the variant was identified in 5 unrelated individuals with non-autoimmune and non-absolute/near-absolute insulin-deficient diabetes, PS4_Moderate could not be applied because c.29C>T does not meet the criteria to apply PM2_Supporting (PMID: 30155490, 18003757, internal lab contributors). Another missense variant at the same residue, c.28A>C (p.Thr10Pro) has been interpreted as likely pathogenic by the ClinGen MDEP (PM5_Supporting). In summary, the c.29C>T variant meets the criteria to be classified as a variant of uncertain significance for monogenic diabetes. ACMG/AMP criteria applied, as specified by the ClinGen MDEP (specification version 3.1.0, approved 10/10/2025): BS1, PM1_Supporting, PP4, PM5_Suppporting.

Ambry Genetics
Classification: Uncertain significance for Maturity-onset diabetes of the young. Last evaluated: 2025-05-25. Review status: criteria provided, single submitter. Criteria: Ambry Variant Classification Scheme 2023. Collection method: clinical testing. Allele origin: germline. Not counted in ClinVar's aggregate classification.
Comment: The p.T10M variant (also known as c.29C>T), located in coding exon 1 of the HNF1A gene, results from a C to T substitution at nucleotide position 29. The threonine at codon 10 is replaced by methionine, an amino acid with similar properties. This variant has been reported in association with diabetes (Huang X et al. J Diabetes Res, 2018 Aug;2018:7842064; Sanyoura M et al. J Clin Endocrinol Metab, 2018 Jan;103:35-45; Wang Y et al. J Diabetes Res, 2019 Aug;2019:1747684; Billings LK et al. Endocrinol Diabetes Metab, 2022 Nov;5:e372). This amino acid position is well conserved in available vertebrate species. In addition, this alteration is predicted to be deleterious by in silico analysis. Based on the available evidence, the clinical significance of this variant remains unclear.

Fulgent Genetics
Classification: Uncertain significance for Type 2 diabetes mellitus; Hepatic adenomas, familial; Nonpapillary renal cell carcinoma; Diabetes mellitus type 1; Maturity-onset diabetes of the young type 3; Type 1 diabetes mellitus 20. Last evaluated: 2023-12-29. Review status: criteria provided, single submitter. Criteria: ACMG Guidelines, 2015. Collection method: clinical testing. Allele origin: germline. Not counted in ClinVar's aggregate classification.

GeneDx
Classification: Uncertain significance. Last evaluated: 2023-12-04. Review status: criteria provided, single submitter. Criteria: GeneDx Variant Classification Process June 2021. Collection method: clinical testing. Allele origin: germline. Affected: yes. Not counted in ClinVar's aggregate classification.
Comment: Identified in a patients with suspected MODY in published literature, however, clinical information was limited in some cases and was not sufficient for a diagnosis of HNF1A-related MODY in other cases (PMID: 16917892, 30155490, 18003757, 28938416); Published functional studies are discordant regarding the pathogenicity of this variant (PMID: 32910913, 27083284); In silico analysis supports that this missense variant does not alter protein structure/function; This variant is associated with the following publications: (PMID: 29758564, 32238361, 31485449, 32910913, 30155490, 18003757, 33046911, 28938416, 36208030, 27083284, 16917892, 23348805)

Broad Center for Mendelian Genomics, Broad Institute of MIT and Harvard
Classification: Uncertain significance for Monogenic diabetes. Last evaluated: 2020-01-22. Review status: criteria provided, single submitter. Criteria: ACMG Guidelines, 2015. Collection method: curation. Allele origin: germline. Inheritance: Autosomal dominant inheritance. Not counted in ClinVar's aggregate classification.
Comment: The p.Thr10Met variant in HNF1A has been reported in at least 3 individuals with Monogenic Diabetes (PMID: 16917892, 18003757, 28938416), and has been identified in 0.01290% (2/15504) of African chromosomes, 0.005794% (2/34520) of Latino chromosomes, and 0.005473% (1/18270) of East Asian chromosomes by the Genome Aggregation Database (gnomAD; dbSNP rs774637975). Although this variant has been seen in the general population, its frequency is low enough to be consistent with a carrier frequency. Please note that for diseases with clinical variability, or reduced penetrance, pathogenic variants may be present at a low frequency in the general population. Computational prediction tools and conservation analyses do not provide strong support for or against an impact to the protein. In summary, the clinical significance of the p.Thr10Met variant is uncertain. ACMG/AMP Criteria applied: PM2_Supporting, PS4_Supporting (Richards 2015).

Illumina Laboratory Services, Illumina
Classification: Uncertain significance for Maturity-onset diabetes of the young type 3. Last evaluated: 2017-04-27. Review status: criteria provided, single submitter. Criteria: ICSL Variant Classification Criteria 13 December 2019. Collection method: clinical testing. Allele origin: germline. Not counted in ClinVar's aggregate classification.
Comment: This variant was observed as part of a predisposition screen in an ostensibly healthy population. A literature search was performed for the gene, cDNA change, and amino acid change (where applicable). Publications were found based on this search. However, the evidence from the literature, in combination with allele frequency data from public databases where available, was not sufficient to rule this variant in or out of causing disease. Therefore, this variant is classified as a variant of unknown significance.

Genetic Services Laboratory, University of Chicago
Classification: Likely pathogenic for MODY, type III. Last evaluated: 2015-02-13. Review status: criteria provided, single submitter. Criteria: ACMG Guidelines, 2015. Collection method: clinical testing. Allele origin: germline. Affected: yes. Not counted in ClinVar's aggregate classification.

Clinical Genomics, Uppaluri K&H Personalized Medicine Clinic
Classification: Likely pathogenic for Maturity-onset diabetes of the young. Review status: criteria provided, single submitter. Criteria: K & H Uppaluri Personalized Medicine Clinic Variant Classification & Assertion Criteria_Updated V.1. Collection method: research. Allele origin: unknown. Inheritance: Autosomal dominant inheritance. Not counted in ClinVar's aggregate classification.
Comment: Mutations in HNF1A gene can predispose to MODY3. It is associated with both micro and macrovascular complications of diabetes, especially cardiovascular complications. Associated with glucosuria. May respond well to sulfonylureas. Sufficient evidence is found to confer the association of this particular variant rs774637975 with MODY3.

Literature cited by the submitters: PubMed 30155490 (cited by 3 submitters); PubMed 18003757 (cited by ClinGen Monogenic Diabetes Variant Curation Expert Panel and Broad Center for Mendelian Genomics, Broad Institute of MIT and Harvard); PubMed 27083284 (cited by Ambry Genetics and Broad Center for Mendelian Genomics, Broad Institute of MIT and Harvard); PubMed 28938416 (cited by Ambry Genetics and Broad Center for Mendelian Genomics, Broad Institute of MIT and Harvard); PubMed 31485449 (cited by Ambry Genetics); PubMed 32910913 (cited by Ambry Genetics and Clinical Genomics, Uppaluri K&H Personalized Medicine Clinic); PubMed 36208030 (cited by Ambry Genetics); PubMed 16917892 (cited by Broad Center for Mendelian Genomics, Broad Institute of MIT and Harvard and Illumina Laboratory Services, Illumina); PubMed 32238361 (cited by Clinical Genomics, Uppaluri K&H Personalized Medicine Clinic).

NM_000545.8(HNF1A):c.29C>T (p.Thr10Met)

Gene: HNF1A (HNF1 homeobox A; plus strand). Cytogenetic location: 12q24.31.
Variant type: single nucleotide variant.
Coding change: c.29C>T on transcript NM_000545.8 (MANE Select); coding-DNA position 29, C replaced by T.
Protein change: p.Thr10Met; replaces threonine 10 with methionine.
Molecular consequence: missense variant.
Genome position (GRCh38, 1-based): chr12:120,978,797, C>T. VCF-style: chr12-120978797-C-T. GRCh37 (hg19) VCF-style: chr12-121416600-C-T.
Other names: NM_000545.8(HNF1A):c.29C>T; c.29C>T (NM_000545.6); c.29C>T, p.Thr10Met (NM_001306179.2); short protein forms T10M.
Identifiers: ClinVar variation 435422 (VCV000435422.19), dbSNP rs774637975, ClinGen allele CA6831654.
Genomic context (GRCh38, chr12:120,978,797, plus strand): 5'-CCCGGGCCGCGTGGCCCTGTGGCAGCCGAGCCATGGTTTCTAAACTGAGCCAGCTGCAGA[C>T]GGAGCTCCTGGCGGCCCTGCTCGAGTCAGGGCTGAGCAAAGAGGCACTGATCCAGGCACT-3'
Protein context (NP_000536.6, residues 1-20): MVSKLSQLQ[Thr10Met]ELLAALLESG